The following is an entry in ClinVar:

NM_024334.3(TMEM43):c.536_537inv (p.Met179Thr)

Gene: TMEM43 (transmembrane protein 43; plus strand). Cytogenetic location: 3p25.1.
Variant type: Inversion.
Coding change: c.536_537inv on transcript NM_024334.3 (MANE Select).
Protein change: p.Met179Thr; replaces methionine 179 with threonine.
Molecular consequence: missense variant.
Genome position: GRCh38 VCF-style: chr3-14133762-TG-CA. GRCh37 (hg19) VCF-style: chr3-14175262-TG-CA.
Other names: c.536_537delinsCA (NM_024334.3); c.539_540inv, p.Met180Thr (NM_001407274.1); c.536_537inv, p.Met179Thr (NM_001407275.1, NM_001407276.1, NM_001407277.1 and 1 more transcripts); c.521_522inv, p.Met174Thr (NM_001407278.1); c.386_387inv, p.Met129Thr (NM_001407280.1); c.536_537delTGinsCA (NM_024334.2); short protein forms M129T, M180T, M179T, M174T.
Identifiers: ClinVar variation 2728671 (VCV002728671.5), ClinGen allele CA2697550701.

ClinVar aggregate classification (germline): Conflicting classifications of pathogenicity. Review status: criteria provided, conflicting classifications (1 of 4 stars). 3 submissions from 3 submitters: Uncertain significance (1); Likely benign (2). Last evaluated 2025-11-10.

Conditions:
Arrhythmogenic right ventricular dysplasia 5. Also called: ARRHYTHMOGENIC RIGHT VENTRICULAR DYSPLASIA, FAMILIAL, 5; Arrhythmogenic Right Ventricular Dysplasia/Cardiomyopathy 5. Identifiers: MedGen C1858379, MONDO:0011459, OMIM 604400.
Cardiomyopathy (CMYO). Also called: Cardiomyopathies. Identifiers: Orphanet 167848, MedGen C0878544, MONDO:0004994, HP:0001638. Inheritance: Various modes of inheritance.
Cardiovascular phenotype. Identifiers: MedGen CN230736.

Submissions (3):

Color Diagnostics, LLC DBA Color Health
Classification: Uncertain significance for Cardiomyopathy. Last evaluated: 2025-11-10. Review status: criteria provided, single submitter. Criteria: ACMG Guidelines, 2015. Collection method: clinical testing. Allele origin: germline.
Comment: This missense variant replaces methionine with threonine at codon 179 of the TMEM43 protein. Computational prediction suggests that this variant may not impact protein structure and function. To our knowledge, functional studies have not been reported for this variant. This variant has not been reported in individuals affected with TMEM43-related disorders in the literature. This variant has not been identified in the general population by the Genome Aggregation Database (gnomAD). The available evidence is insufficient to determine the role of this variant in disease conclusively. Therefore, this variant is classified as a Variant of Uncertain Significance.

Labcorp Genetics (formerly Invitae), Labcorp
Classification: Likely benign for Arrhythmogenic right ventricular dysplasia 5. Last evaluated: 2025-08-13. Review status: criteria provided, single submitter. Criteria: Invitae Variant Classification Sherloc (09022015). Collection method: clinical testing. Allele origin: germline.

Ambry Genetics
Classification: Likely benign for Cardiovascular phenotype. Last evaluated: 2024-07-08. Review status: criteria provided, single submitter. Criteria: Ambry Variant Classification Scheme 2023. Collection method: clinical testing. Allele origin: germline.